The following is an entry in ClinVar:

NM_000138.5(FBN1):c.5571C>A (p.Pro1857=)

Gene: FBN1 (fibrillin 1; minus strand). Cytogenetic location: 15q21.1.
Variant type: single nucleotide variant.
Coding change: c.5571C>A on transcript NM_000138.5 (MANE Select); coding-DNA position 5571, C replaced by A.
Protein change: p.Pro1857=; no amino-acid change (proline 1857 retained).
Molecular consequence: synonymous variant.
Genome position (GRCh38, 1-based): chr15:48,448,868, G>T on the plus strand (C>A on the coding strand, the complement: FBN1 is on the minus strand). VCF-style: chr15-48448868-G-T. GRCh37 (hg19) VCF-style: chr15-48741065-G-T.
Other names: c.5571C>A, p.Pro1857= (NM_001406716.1).
Identifiers: ClinVar variation 3073688 (VCV003073688.1), dbSNP rs201551843, ClinGen allele CA055252.

ClinVar aggregate classification (germline): Likely benign (1 of 4 stars; one submission).

Conditions:
Marfan syndrome (MFS). Also called: MARFAN SYNDROME, TYPE I; Marfan syndrome type 1; Marfan's syndrome; Marfan syndrome, classic; FBN1-Related Marfan Syndrome. Identifiers: Orphanet 284963, Orphanet 558, MedGen C0024796, MONDO:0007947, OMIM 154700.

Allele frequency attached by ClinVar (database versions not stated): gnomAD 0.00001; 1000 Genomes Project 30x 0.00016; ExAC 0.00001; 1000 Genomes Project 0.00020.

Submission:

All of Us Research Program, National Institutes of Health
Classification: Likely benign for Marfan syndrome. Last evaluated: 2023-10-06. Review status: criteria provided, single submitter. Criteria: ACMG Guidelines, 2015. Collection method: clinical testing. Allele origin: germline. Inheritance: Autosomal dominant inheritance. Observed: 1 variant allele, 1 heterozygote.
Comment: This study involves interpretation of variants in research participants for the purpose of population health screening. Participant phenotype was not available at the time of variant classification. Additional details can be found in publication PMID: 35346344, PMCID: PMC8962531